The following is an entry in ClinVar:

NM_001375.3(DNASE2):c.1016C>A (p.Pro339Gln)

Gene: DNASE2 (deoxyribonuclease 2, lysosomal; minus strand). Cytogenetic location: 19p13.13.
Variant type: single nucleotide variant.
Coding change: c.1016C>A on transcript NM_001375.3 (MANE Select); coding-DNA position 1016, C replaced by A.
Protein change: p.Pro339Gln; replaces proline 339 with glutamine.
Molecular consequence: missense variant.
Genome position (GRCh38, 1-based): chr19:12,876,057, G>T on the plus strand (C>A on the coding strand, the complement: DNASE2 is on the minus strand). VCF-style: chr19-12876057-G-T. GRCh37 (hg19) VCF-style: chr19-12986871-G-T.
Other names: short protein forms P339Q.
Identifiers: ClinVar variation 2119898 (VCV002119898.4), dbSNP rs375137579, ClinGen allele CA404294944.

ClinVar aggregate classification (germline): Uncertain significance (1 of 4 stars; one submission).

gnomAD v4.1: 2 of 1,614,046 alleles (0.00012%); highest among the groups gnomAD compares: Non-Finnish European, 0.00017%; no homozygotes.

Submission:

Labcorp Genetics (formerly Invitae), Labcorp
Classification: Uncertain significance. Last evaluated: 2022-03-31. Review status: criteria provided, single submitter. Criteria: Invitae Variant Classification Sherloc (09022015). Collection method: clinical testing. Allele origin: germline.
Comment: In summary, the available evidence is currently insufficient to determine the role of this variant in disease. Therefore, it has been classified as a Variant of Uncertain Significance. Algorithms developed to predict the effect of missense changes on protein structure and function are either unavailable or do not agree on the potential impact of this missense change (SIFT: "Tolerated"; PolyPhen-2: "Probably Damaging"; Align-GVGD: "Class C0"). This variant has not been reported in the literature in individuals affected with DNASE2-related conditions. This variant is not present in population databases (gnomAD no frequency). This sequence change replaces proline, which is neutral and non-polar, with glutamine, which is neutral and polar, at codon 339 of the DNASE2 protein (p.Pro339Gln).